The following is an entry in ClinVar:

ClinVar aggregate classification (germline): Pathogenic/Likely pathogenic. Review status: criteria provided, multiple submitters, no conflicts (2 of 4 stars). 9 submissions from 9 submitters: Pathogenic (6); Likely pathogenic (1). 2 of the submissions do not count toward it. Last evaluated 2025-10-30.

Conditions:
Nemaline myopathy 2 (NEM2). Also called: Nemaline myopathy 2, autosomal recessive. Identifiers: MedGen C1850569, MONDO:0009725, OMIM 256030.
Arthrogryposis multiplex congenita 6. Identifiers: MedGen C5543431, MONDO:0030281, OMIM 619334.
Nemaline myopathy. Also called: Myopathies, Nemaline. Identifiers: Orphanet 607, MedGen C0206157, MONDO:0018958.

Allele frequency attached by ClinVar (database versions not stated): gnomAD 0.00001; TOPMed 0.00002.
gnomAD v4.1: 37 of 1,588,348 alleles (0.0023%); highest among the groups gnomAD compares: East Asian, 0.0045%; no homozygotes.

Submissions (9):

Natera, Inc.
Classification: Likely pathogenic for Nemaline myopathy type 2. Last evaluated: 2025-10-30. Review status: criteria provided, single submitter. Criteria: Natera Variant Classification Schema (03/2026). Collection method: clinical testing. Allele origin: germline.
Comment: The c.1152+1G>A variant in NEB is a canonical splice donor site variant predicted to affect pre-mRNA splicing, which may result in an abnormal transcript and altered protein product. This variant may result in a truncated or dysfunctional protein product. This variant is rare in the general population with a frequency below the threshold expected for the associated phenotype(s). This variant has been observed in one or more individuals affected with the associated recessive disease, as either homozygous or compound heterozygous with a second variant (PMID: 25205138, 25079567). Another variant at this same site results in an alteration predicted to cause a similar molecular effect has been observed in individual(s) with the associated phenotype. Given the available evidence, this variant is classified as Likely Pathogenic.

Fulgent Genetics
Classification: Pathogenic for Nemaline myopathy 2; Arthrogryposis multiplex congenita 6. Last evaluated: 2024-03-05. Review status: criteria provided, single submitter. Criteria: ACMG Guidelines, 2015. Collection method: clinical testing. Allele origin: germline.

Labcorp Genetics (formerly Invitae), Labcorp
Classification: Pathogenic for Nemaline myopathy 2. Last evaluated: 2023-11-28. Review status: criteria provided, single submitter. Criteria: Invitae Variant Classification Sherloc (09022015). Collection method: clinical testing. Allele origin: germline.
Comment: This sequence change affects a donor splice site in intron 13 of the NEB gene. It is expected to disrupt RNA splicing. Variants that disrupt the donor or acceptor splice site typically lead to a loss of protein function (PMID: 16199547), and loss-of-function variants in NEB are known to be pathogenic (PMID: 25205138). The frequency data for this variant in the population databases is considered unreliable, as metrics indicate poor data quality at this position in the gnomAD database. Disruption of this splice site has been observed in individuals with nemaline myopathy (PMID: 23572184, 25079567, 25205138). ClinVar contains an entry for this variant (Variation ID: 95104). Algorithms developed to predict the effect of sequence changes on RNA splicing suggest that this variant may disrupt the consensus splice site. For these reasons, this variant has been classified as Pathogenic.

Baylor Genetics
Classification: Pathogenic for Arthrogryposis multiplex congenita 6. Last evaluated: 2023-10-25. Review status: criteria provided, single submitter. Criteria: ACMG Guidelines, 2015. Collection method: clinical testing. Allele origin: unknown.

GeneDx
Classification: Pathogenic. Last evaluated: 2022-11-30. Review status: criteria provided, single submitter. Criteria: GeneDx Variant Classification Process June 2021. Collection method: clinical testing. Allele origin: germline. Affected: yes.
Comment: Canonical splice site variant expected to result in aberrant splicing, although in the absence of functional evidence the actual effect of this sequence change is unknown.; Deletions involving coding exons of this gene are a known mechanism of disease (HGMD; other references); Not observed at significant frequency in large population cohorts (gnomAD); This variant is associated with the following publications: (PMID: 23572184, 25079567, 31589614, 25205138)

Women's Health and Genetics/Laboratory Corporation of America, LabCorp
Classification: Pathogenic for Nemaline myopathy. Last evaluated: 2020-01-23. Review status: criteria provided, single submitter. Criteria: LabCorp Variant Classification Summary - May 2015. Collection method: clinical testing. Allele origin: germline.
Comment: Variant summary: NEB c.1152+1G>A is located in a canonical splice-site and is predicted to affect mRNA splicing resulting in a significantly altered protein due to either exon skipping, shortening, or inclusion of intronic material. Several computational tools predict a significant impact on normal splicing: Four predict the variant abolishes a 5 splicing donor site. However, these predictions have yet to be confirmed by functional studies. The variant allele was found at a frequency of 1.8e-05 in 219184 control chromosomes (gnomAD). c.1152+1G>A has been reported in the literature in individuals affected with Nemaline Myopathy (e.g. de Winter_2013, Lehtokari_2014). These data indicate that the variant is likely to be associated with disease. Muscle from a patient with the variant exhibited relative deficiency of nebulin protein and lower calcium-sensitivity of force generation and maximal active tension compared to controls (de Winter_2013). Two ClinVar submitters (evaluation after 2014) cite the variant as pathogenic. Based on the evidence outlined above, the variant was classified as pathogenic.

Eurofins Ntd Llc (ga)
Classification: Pathogenic. Last evaluated: 2013-11-14. Review status: criteria provided, single submitter. Criteria: EGL Classification Definitions. Collection method: clinical testing. Allele origin: germline. Observed: 2 variant alleles, 2 heterozygotes.

OMIM
Classification: Pathogenic for ARTHROGRYPOSIS MULTIPLEX CONGENITA 6. Last evaluated: 2021-05-28. Review status: no assertion criteria provided. Collection method: literature only. Allele origin: germline. Not counted in ClinVar's aggregate classification.

Counsyl
Classification: Pathogenic for Nemaline myopathy 2. Last evaluated: 2018-04-18. Review status: no assertion criteria provided. Collection method: clinical testing. Allele origin: unknown. Not counted in ClinVar's aggregate classification.

Literature cited by the submitters: PubMed 25205138 (cited by 4 submitters); PubMed 25079567 (cited by 4 submitters); PubMed 16199547 (cited by Labcorp Genetics (formerly Invitae), Labcorp); PubMed 23572184 (cited by 3 submitters); PubMed 21798101 (cited by OMIM).

NM_001164508.2(NEB):c.1152+1G>A

Gene: NEB (nebulin; minus strand). Cytogenetic location: 2q23.3.
Variant type: single nucleotide variant.
Coding change: c.1152+1G>A on transcript NM_001164508.2 (MANE Select); the canonical splice donor site of the intron after coding-DNA position 1152, G replaced by A.
Molecular consequence: splice donor variant.
Genome position (GRCh38, 1-based): chr2:151,706,880, C>T on the plus strand (G>A on the coding strand, the complement: NEB is on the minus strand). VCF-style: chr2-151706880-C-T. GRCh37 (hg19) VCF-style: chr2-152563394-C-T.
Other names: IVS13DS, G-T, +1; c.1152+1G>A (NM_004543.5, NM_001164507.2, NM_001271208.2).
Identifiers: ClinVar variation 95104 (VCV000095104.23), dbSNP rs398124167, ClinGen allele CA222737.